The following is an entry in ClinVar:

NM_000260.4(MYO7A):c.5388C>T (p.Thr1796=)

Gene: MYO7A (myosin VIIA; plus strand). Cytogenetic location: 11q13.5.
Variant type: single nucleotide variant.
Coding change: c.5388C>T on transcript NM_000260.4 (MANE Select); coding-DNA position 5388, C replaced by T.
Protein change: p.Thr1796=; no amino-acid change (threonine 1796 retained).
Molecular consequence: synonymous variant.
Genome position (GRCh38, 1-based): chr11:77,204,137, C>T. VCF-style: chr11-77204137-C-T. GRCh37 (hg19) VCF-style: chr11-76915182-C-T.
Other names: c.5274C>T, p.Thr1758= (NM_001127180.2); c.5241C>T, p.Thr1747= (NM_001369365.1).
Identifiers: ClinVar variation 669179 (VCV000669179.13), dbSNP rs372062718, ClinGen allele CA6198700.

ClinVar aggregate classification (germline): Likely benign. Review status: criteria provided, multiple submitters, no conflicts (2 of 4 stars). 4 submissions from 4 submitters: Likely benign (3). 1 of the submissions does not count toward it. Last evaluated 2024-03-25.

Conditions:
Usher syndrome type 1B (USH1B). Also called: Usher syndrome type IB. Identifiers: MedGen C1848638, MONDO:0700087.

Allele frequency attached by ClinVar (database versions not stated): TOPMed 0.00002; gnomAD 0.00004; gnomAD exomes 0.00005 and 0.00008; ESP Exome Variant Server 0.00008; ExAC 0.00013; 1000 Genomes Project 30x 0.00016; 1000 Genomes Project 0.00020.
gnomAD v4.1: 74 of 1,598,962 alleles (0.0046%); highest among the groups gnomAD compares: East Asian, 0.041%; no homozygotes.

Submissions (4):

Labcorp Genetics (formerly Invitae), Labcorp
Classification: Likely benign. Last evaluated: 2024-03-25. Review status: criteria provided, single submitter. Criteria: Invitae Variant Classification Sherloc (09022015). Collection method: clinical testing. Allele origin: germline.

Blueprint Genetics
Classification: Likely benign. Last evaluated: 2023-08-07. Review status: criteria provided, single submitter. Criteria: ACMG Guidelines, 2015. Collection method: clinical testing. Allele origin: germline.

GeneDx
Classification: Likely benign. Last evaluated: 2018-06-06. Review status: criteria provided, single submitter. Criteria: GeneDx Variant Classification (06012015). Collection method: clinical testing. Allele origin: germline. Affected: yes.
Comment: This variant is considered likely benign or benign based on one or more of the following criteria: it is a conservative change, it occurs at a poorly conserved position in the protein, it is predicted to be benign by multiple in silico algorithms, and/or has population frequency not consistent with disease.

Natera, Inc.
Classification: Uncertain significance for Usher syndrome type 1B. Last evaluated: 2020-04-17. Review status: no assertion criteria provided. Collection method: clinical testing. Allele origin: germline. Not counted in ClinVar's aggregate classification.